The following is an entry in ClinVar:

ClinVar aggregate classification (germline): Pathogenic. Review status: criteria provided, multiple submitters, no conflicts (2 of 4 stars). 3 submissions from 3 submitters: Pathogenic (3). Last evaluated 2022-08-16.

Conditions:
COL1A1-related disorder. Also called: COL1A1- related disease; COL1A1-related condition.
Postmenopausal osteoporosis. Also called: BONE MINERAL DENSITY QUANTITATIVE TRAIT LOCUS; OSTEOPOROSIS, INVOLUTIONAL. Identifiers: MedGen C0029458, MONDO:0008159.
Osteogenesis imperfecta type I (OI1). Also called: Osteogenesis imperfecta type 1; Lobstein's Disease; Lobstein disease; OI, TYPE I; OSTEOGENESIS IMPERFECTA TARDA; OSTEOGENESIS IMPERFECTA WITH BLUE SCLERAE. Identifiers: Orphanet 216796, Orphanet 666, MedGen C0023931, MONDO:0008146, OMIM 166200. Disease mechanism: loss of function.

Submissions (3):

Labcorp Genetics (formerly Invitae), Labcorp
Classification: Pathogenic for Osteogenesis imperfecta type I. Last evaluated: 2022-08-16. Review status: criteria provided, single submitter. Criteria: Invitae Variant Classification Sherloc (09022015). Collection method: clinical testing. Allele origin: germline.
Comment: For these reasons, this variant has been classified as Pathogenic. Algorithms developed to predict the effect of sequence changes on RNA splicing suggest that this variant may disrupt the consensus splice site. Disruption of this splice site has been observed in individuals with osteogenesis imperfecta (PMID: 17078022, 31447884). This variant is not present in population databases (gnomAD no frequency). This sequence change affects a donor splice site in intron 23 of the COL1A1 gene. It is expected to disrupt RNA splicing. Variants that disrupt the donor or acceptor splice site typically lead to a loss of protein function (PMID: 16199547), and loss-of-function variants in COL1A1 are known to be pathogenic (PMID: 7942841, 9295084, 9443882).

Institute for Medical Genetics and Human Genetics, Charité - Universitätsmedizin Berlin
Classification: Pathogenic for Osteoporosis. Last evaluated: 2021-06-14. Review status: criteria provided, single submitter. Criteria: ACMG Guidelines, 2015. Collection method: not provided. Allele origin: germline. Affected: yes. Observed: 1 heterozygote.

Blueprint Genetics
Classification: Pathogenic for COL1A1-related disorders. Last evaluated: 2020-07-23. Review status: criteria provided, single submitter. Criteria: ACMG Guidelines, 2015. Collection method: clinical testing. Allele origin: germline. Affected: yes. Observed: 1 variant allele.

Literature cited by the submitters: PubMed 17078022 (cited by Labcorp Genetics (formerly Invitae), Labcorp); PubMed 31447884 (cited by Labcorp Genetics (formerly Invitae), Labcorp); PubMed 16199547 (cited by Labcorp Genetics (formerly Invitae), Labcorp); PubMed 7942841 (cited by Labcorp Genetics (formerly Invitae), Labcorp); PubMed 9295084 (cited by Labcorp Genetics (formerly Invitae), Labcorp); PubMed 9443882 (cited by Labcorp Genetics (formerly Invitae), Labcorp).

NM_000088.4(COL1A1):c.1614+1G>A

Gene: COL1A1 (collagen type I alpha 1 chain; minus strand). Cytogenetic location: 17q21.33.
Variant type: single nucleotide variant.
Coding change: c.1614+1G>A on transcript NM_000088.4 (MANE Select); the canonical splice donor site of the intron after coding-DNA position 1614, G replaced by A.
Molecular consequence: splice donor variant.
Genome position (GRCh38, 1-based): chr17:50,194,348, C>T on the plus strand (G>A on the coding strand, the complement: COL1A1 is on the minus strand). VCF-style: chr17-50194348-C-T. GRCh37 (hg19) VCF-style: chr17-48271709-C-T.
Identifiers: ClinVar variation 1074312 (VCV001074312.12), dbSNP rs72648357, ClinGen allele CA291545215.